The following is an entry in ClinVar:

NM_013275.6(ANKRD11):c.1356_1359del (p.Asn452fs)

Gene: ANKRD11 (ankyrin repeat domain 11; minus strand). Cytogenetic location: 16q24.3.
Variant type: Deletion.
Coding change: c.1356_1359del on transcript NM_013275.6 (MANE Select); coding-DNA positions 1356 to 1359, 4 bases deleted (TAAA; older notation c.1356_1359delTAAA).
Protein change: p.Asn452fs; shifts the reading frame from asparagine 452.
Molecular consequence: frameshift variant.
Genome position (GRCh38, 1-based): chr16:89,285,183-89,285,186, TTTA deleted on the plus strand (TAAA on the coding strand, the reverse complement: ANKRD11 is on the minus strand); deleting any 4 consecutive bases within chr16:89,285,183-89,285,189 gives the same sequence; the c. name uses the placement nearest the transcript's 3' end. VCF-style (leftmost placement, unchanged base first): chr16-89285182-CTTTA-C. GRCh37 (hg19) VCF-style: chr16-89351590-CTTTA-C.
Other names: c.1356_1359del (NM_001256182.1, NM_001256183.1); c.1356_1359del, p.Asn452fs (NM_001256182.2, NM_001256183.2); short protein forms N452fs.
Identifiers: ClinVar variation 3122112 (VCV003122112.6), dbSNP rs2544245332, ClinGen allele CA658790764.
Genomic context (GRCh38, chr16:89,285,182, plus strand): 5'-CGCTCCGCTTTCCGAAGCGAACCTCTCTGCCTTTTGTTTCTTTCTTTCGCTTCTTTTTCA[CTTTA>C]TTTTTTTCCTTCTGCTGCTTGGCATTAGAAGGCTCTCGTGTCTTACTACCAGGCAATATC-3'

ClinVar aggregate classification (germline): Pathogenic/Likely pathogenic. Review status: criteria provided, multiple submitters, no conflicts (2 of 4 stars). 6 submissions from 6 submitters: Pathogenic (4); Likely pathogenic (2). Last evaluated 2025-11-19.

Conditions:
Inborn genetic diseases. Identifiers: MedGen C0950123, MeSH D030342.
KBG syndrome (KBGS). Also called: ANKRD11-Related KBG Syndrome. Identifiers: Orphanet 2332, MedGen C0220687, MONDO:0007846, OMIM 148050.

Submissions (6):

Clinical Genomics Laboratory, Washington University in St. Louis
Classification: Likely pathogenic for KBG syndrome. Last evaluated: 2025-11-19. Review status: criteria provided, single submitter. Criteria: ACMG Guidelines, 2015. Collection method: clinical testing. Allele origin: germline. Affected: yes.
Comment: The ANKRD11 c.1356_1359del (p.Asn452Lysfs*2) variant, to our knowledge, has not been reported in the medical literature. This variant has been reported in the ClinVar database as a germline pathogenic variant by two submitters and as a germline likely pathogenic variant by two submitters. This variant is absent from the general population (gnomAD v.4.1.0), indicating it is not a common variant. This variant causes a frameshift by deleting four nucleotides, leading to a premature termination codon, which is predicted to lead to nonsense mediated decay. Based on available information and the ACMG/AMP guidelines for variant interpretation (Richards S et al., PMID: 25741868), this variant is classified as likely pathogenic.

Greenwood Genetic Center Diagnostic Laboratories, Greenwood Genetic Center
Classification: Pathogenic for KBG syndrome. Last evaluated: 2025-10-15. Review status: criteria provided, single submitter. Criteria: ACMG Guidelines, 2015. Collection method: clinical testing. Allele origin: germline. Affected: yes.
Comment: PVS1, PS4_Moderate, PM2

Ambry Genetics
Classification: Pathogenic for Inborn genetic diseases. Last evaluated: 2023-11-14. Review status: criteria provided, single submitter. Criteria: Ambry Variant Classification Scheme 2023. Collection method: clinical testing. Allele origin: germline.
Comment: The c.1356_1359delTAAA (p.N452Kfs*2) alteration, located in exon 9 (coding exon 7) of the ANKRD11 gene, consists of a deletion of 4 nucleotides from position 1356 to 1359, causing a translational frameshift with a predicted alternate stop codon after 2 amino acids. This alteration is expected to result in loss of function by premature protein truncation or nonsense-mediated mRNA decay. This variant was not reported in population-based cohorts in the Genome Aggregation Database (gnomAD). Based on the available evidence, this alteration is classified as pathogenic.

Genetics Laboratory, UDIAT-Centre Diagnòstic, Hospital Universitari Parc Tauli
Classification: Pathogenic for KBG syndrome. Last evaluated: 2023-06-06. Review status: criteria provided, single submitter. Criteria: ACMG Guidelines, 2015. Collection method: clinical testing. Allele origin: unknown. Inheritance: Autosomal dominant inheritance. Affected: yes.
Comment: PVS1_very strong;PM2_supporting;PM6_moderate

Clinical Genetics Laboratory, Skane University Hospital Lund
Classification: Likely pathogenic. Last evaluated: 2022-05-27. Review status: criteria provided, single submitter. Criteria: ACMG Guidelines, 2015. Collection method: clinical testing. Allele origin: germline. Affected: yes.

Clinical Genetics Service, Universitary Hospital 12 de Octubre
Classification: Pathogenic for KBG syndrome. Review status: criteria provided, single submitter. Criteria: ACMG Guidelines, 2015. Collection method: clinical testing. Allele origin: de novo. Affected: yes.